The following is an entry in ClinVar:

ClinVar aggregate classification (germline): Uncertain significance (1 of 4 stars; one submission).

Submission:

GeneDx
Classification: Uncertain significance. Last evaluated: 2024-05-20. Review status: criteria provided, single submitter. Criteria: GeneDx Variant Classification Process June 2021. Collection method: clinical testing. Allele origin: germline. Affected: yes.
Comment: Not observed at significant frequency in large population cohorts (gnomAD); In silico analysis supports that this missense variant has a deleterious effect on protein structure/function; Has not been previously published as pathogenic or benign to our knowledge

NM_170606.3(KMT2C):c.13688C>G (p.Pro4563Arg)

Gene: KMT2C (lysine methyltransferase 2C; minus strand). Cytogenetic location: 7q36.1.
Variant type: single nucleotide variant.
Coding change: c.13688C>G on transcript NM_170606.3 (MANE Select); coding-DNA position 13688, C replaced by G.
Protein change: p.Pro4563Arg; replaces proline 4563 with arginine.
Molecular consequence: missense variant.
Genome position (GRCh38, 1-based): chr7:152,148,239, G>C on the plus strand (C>G on the coding strand, the complement: KMT2C is on the minus strand). VCF-style: chr7-152148239-G-C. GRCh37 (hg19) VCF-style: chr7-151845324-G-C.
Other names: short protein forms P4563R.
Identifiers: ClinVar variation 3381519 (VCV003381519.1).